The following is an entry in ClinVar:

ClinVar aggregate classification (germline): Uncertain significance (1 of 4 stars; one submission).

Submission:

GeneDx
Classification: Uncertain significance. Last evaluated: 2024-12-26. Review status: criteria provided, single submitter. Criteria: GeneDx Variant Classification Process June 2021. Collection method: clinical testing. Allele origin: germline. Affected: yes.
Comment: Not observed at significant frequency in large population cohorts (gnomAD); In silico analysis supports that this missense variant has a deleterious effect on protein structure/function; In silico analysis suggests this variant may impact gene splicing. In the absence of RNA/functional studies, the actual effect of this sequence change is unknown.; Has not been previously published as pathogenic or benign to our knowledge

NM_018489.3(ASH1L):c.7214A>T (p.Asp2405Val)

Gene: ASH1L (ASH1 like histone lysine methyltransferase; minus strand). Cytogenetic location: 1q22.
Variant type: single nucleotide variant.
Coding change: c.7214A>T on transcript NM_018489.3 (MANE Select); coding-DNA position 7214, A replaced by T.
Protein change: p.Asp2405Val; replaces aspartic acid 2405 with valine.
Molecular consequence: missense variant.
Genome position (GRCh38, 1-based): chr1:155,352,858, T>A on the plus strand (A>T on the coding strand, the complement: ASH1L is on the minus strand). VCF-style: chr1-155352858-T-A. GRCh37 (hg19) VCF-style: chr1-155322649-T-A.
Other names: c.7229A>T, p.Asp2410Val (NM_001366177.2); short protein forms D2405V, D2410V.
Identifiers: ClinVar variation 3908017 (VCV003908017.1).